The following is an entry in ClinVar:

NM_000384.3(APOB):c.9716A>G (p.His3239Arg)

Gene: APOB (apolipoprotein B; minus strand). Cytogenetic location: 2p24.1.
Variant type: single nucleotide variant.
Coding change: c.9716A>G on transcript NM_000384.3 (MANE Select); coding-DNA position 9716, A replaced by G.
Protein change: p.His3239Arg; replaces histidine 3239 with arginine.
Molecular consequence: missense variant.
Genome position (GRCh38, 1-based): chr2:21,007,152, T>C on the plus strand (A>G on the coding strand, the complement: APOB is on the minus strand). VCF-style: chr2-21007152-T-C. GRCh37 (hg19) VCF-style: chr2-21230024-T-C.
Other names: short protein forms H3239R.
Identifiers: ClinVar variation 1484926 (VCV001484926.8), dbSNP rs2103352695, ClinGen allele CA345989134.
Genomic context (GRCh38, chr2:21,007,152, plus strand): 5'-TCAACATTGACAACTGGAACAGTGTATCCAGGAATTTGAAAGGTCCTGGGGAGCTCGTCG[T>C]GAGATTTTTCAGCTTTGTACTTATCAAACTTAATTTTTGTTTCATTATAGGATTTGGTGA-3'
Protein context (NP_000375.3, residues 3229-3249): KFDKYKAEKS[His3239Arg]DELPRTFQIP

ClinVar aggregate classification (germline): Uncertain significance (1 of 4 stars; one submission).

Conditions:
Familial hypobetalipoproteinemia 1. Also called: APOB-Related Familial Hypobetalipoproteinemia; Hypobetalipoproteinemia, normotriglyceridemic; Acanthocytosis with hypobetalipoproteinemia. Identifiers: MedGen C4551990, MONDO:0014252, OMIM 615558.
Hypercholesterolemia, autosomal dominant, type B (FHCL2). Also called: Familial Hypercholesterolemia Type B; APOLIPOPROTEIN B-100, FAMILIAL DEFECTIVE; APOLIPOPROTEIN B-100, FAMILIAL LIGAND-DEFECTIVE; HYPERCHOLESTEROLEMIA, FAMILIAL, DUE TO LIGAND-DEFECTIVE APOLIPOPROTEIN B; Familial hypercholesterolemia 2; Hyperlipoproteinemia Type IIb. Identifiers: MedGen C1704417, MONDO:0007751, OMIM 144010.

Submission:

Labcorp Genetics (formerly Invitae), Labcorp
Classification: Uncertain significance for Familial hypobetalipoproteinemia 1; Hypercholesterolemia, autosomal dominant, type B. Last evaluated: 2021-03-23. Review status: criteria provided, single submitter. Criteria: Invitae Variant Classification Sherloc (09022015). Collection method: clinical testing. Allele origin: germline.
Comment: In summary, the available evidence is currently insufficient to determine the role of this variant in disease. Therefore, it has been classified as a Variant of Uncertain Significance. Algorithms developed to predict the effect of missense changes on protein structure and function (SIFT, PolyPhen-2, Align-GVGD) all suggest that this variant is likely to be tolerated, but these predictions have not been confirmed by published functional studies and their clinical significance is uncertain. This variant has not been reported in the literature in individuals with APOB-related conditions. This variant is not present in population databases (ExAC no frequency). This sequence change replaces histidine with arginine at codon 3239 of the APOB protein (p.His3239Arg). The histidine residue is weakly conserved and there is a small physicochemical difference between histidine and arginine.